The following is an entry in ClinVar:

ClinVar aggregate classification (germline): Uncertain significance (1 of 4 stars; one submission).

gnomAD v4.1: 19 of 1,596,594 alleles (0.0012%); highest among the groups gnomAD compares: Middle Eastern, 0.067%; 1 homozygote.

Submission:

Labcorp Genetics (formerly Invitae), Labcorp
Classification: Uncertain significance. Last evaluated: 2023-07-13. Review status: criteria provided, single submitter. Criteria: Invitae Variant Classification Sherloc (09022015). Collection method: clinical testing. Allele origin: germline.
Comment: Advanced modeling of protein sequence and biophysical properties (such as structural, functional, and spatial information, amino acid conservation, physicochemical variation, residue mobility, and thermodynamic stability) performed at Invitae indicates that this missense variant is expected to disrupt SZT2 protein function. In summary, the available evidence is currently insufficient to determine the role of this variant in disease. Therefore, it has been classified as a Variant of Uncertain Significance. This variant has not been reported in the literature in individuals affected with SZT2-related conditions. This sequence change replaces valine, which is neutral and non-polar, with methionine, which is neutral and non-polar, at codon 3136 of the SZT2 protein (p.Val3136Met). This variant is present in population databases (rs779432358, gnomAD 0.002%).

NM_001365999.1(SZT2):c.9577G>A (p.Val3193Met)

Genes: SZT2 (SZT2 subunit of KICSTOR complex; plus strand), SZT2-AS1 (SZT2 antisense RNA 1; minus strand). Cytogenetic location: 1p34.2.
Variant type: single nucleotide variant.
Coding change: c.9577G>A on transcript NM_001365999.1 (MANE Select); coding-DNA position 9577, G replaced by A.
Protein change: p.Val3193Met; replaces valine 3193 with methionine.
Molecular consequence: missense variant.
Genome position (GRCh38, 1-based): chr1:43,448,092, G>A. VCF-style: chr1-43448092-G-A. GRCh37 (hg19) VCF-style: chr1-43913763-G-A.
Other names: c.9406G>A, p.Val3136Met (NM_015284.4); c.1018G>A, p.Val340Met (NM_024547.1); short protein forms V3193M, V340M, V3136M.
Identifiers: ClinVar variation 2740943 (VCV002740943.3), dbSNP rs779432358, ClinGen allele CA810970.